The following is an entry in ClinVar:

ClinVar aggregate classification (germline): Likely benign. Review status: criteria provided, multiple submitters, no conflicts (2 of 4 stars). 4 submissions from 4 submitters: Likely benign (3). 1 of the submissions does not count toward it. Last evaluated 2025-08-02.

Conditions:
Duchenne muscular dystrophy (DMD). Also called: MUSCULAR DYSTROPHY, PSEUDOHYPERTROPHIC PROGRESSIVE, DUCHENNE TYPE; Duchenne Muscular Dystrophy (DMD). Identifiers: Orphanet 98896, MedGen C0013264, MONDO:0010679, OMIM 310200.
Cardiovascular phenotype. Identifiers: MedGen CN230736.
Cardiomyopathy (CMYO). Also called: Cardiomyopathies. Identifiers: Orphanet 167848, MedGen C0878544, MONDO:0004994, HP:0001638. Inheritance: Various modes of inheritance.
Becker muscular dystrophy (BMD). Also called: MUSCULAR DYSTROPHY, PSEUDOHYPERTROPHIC PROGRESSIVE, BECKER TYPE; Becker Muscular Dystrophy (BMD). Identifiers: Orphanet 98895, MedGen C0917713, MONDO:0010311, OMIM 300376.
Dystrophin deficiency.

Allele frequency attached by ClinVar (database versions not stated): ExAC 0.00001; gnomAD exomes 0.00002 and 0.00007; TOPMed 0.00004; gnomAD 0.00005; ESP Exome Variant Server 0.00009.
gnomAD v4.1: 75 of 1,209,702 alleles (0.0062%); highest among the groups gnomAD compares: Non-Finnish European, 0.008%; no homozygotes.

Submissions (4):

Labcorp Genetics (formerly Invitae), Labcorp
Classification: Likely benign for Duchenne muscular dystrophy. Last evaluated: 2025-08-02. Review status: criteria provided, single submitter. Criteria: Invitae Variant Classification Sherloc (09022015). Collection method: clinical testing. Allele origin: germline.

Ambry Genetics
Classification: Likely benign for Cardiovascular phenotype. Last evaluated: 2021-09-23. Review status: criteria provided, single submitter. Criteria: Ambry Variant Classification Scheme 2023. Collection method: clinical testing. Allele origin: germline.

GeneDx
Classification: Likely benign. Last evaluated: 2017-03-09. Review status: criteria provided, single submitter. Criteria: GeneDx Variant Classification (06012015). Collection method: clinical testing. Allele origin: germline. Affected: yes.
Comment: This variant is considered likely benign or benign based on one or more of the following criteria: it is a conservative change, it occurs at a poorly conserved position in the protein, it is predicted to be benign by multiple in silico algorithms, and/or has population frequency not consistent with disease.

Natera, Inc.
Classification: Likely benign for Becker muscular dystrophy; Cardiomyopathy; Duchenne muscular dystrophy; Dystrophin deficiency. Last evaluated: 2019-07-29. Review status: no assertion criteria provided. Collection method: clinical testing. Allele origin: germline. Not counted in ClinVar's aggregate classification.

NM_004006.3(DMD):c.8718G>A (p.Lys2906=)

Gene: DMD (dystrophin; minus strand). Cytogenetic location: Xp21.2.
Variant type: single nucleotide variant.
Coding change: c.8718G>A on transcript NM_004006.3 (MANE Select); coding-DNA position 8718, G replaced by A.
Protein change: p.Lys2906=; no amino-acid change (lysine 2906 retained).
Molecular consequence: synonymous variant.
Genome position (GRCh38, 1-based): chrX:31,478,325, C>T on the plus strand (G>A on the coding strand, the complement: DMD is on the minus strand). VCF-style: chrX-31478325-C-T. GRCh37 (hg19) VCF-style: chrX-31496442-C-T.
Other names: c.8694G>A, p.Lys2898= (NM_000109.4); c.8706G>A, p.Lys2902= (NM_004009.3); c.8349G>A, p.Lys2783= (NM_004010.3); c.4695G>A, p.Lys1565= (NM_004011.4); c.4686G>A, p.Lys1562= (NM_004012.4); c.1338G>A, p.Lys446= (NM_004013.3, NM_004020.4, NM_004021.3 and 2 more transcripts); c.531G>A, p.Lys177= (NM_004014.3).
Identifiers: ClinVar variation 455940 (VCV000455940.14), dbSNP rs377178242, ClinGen allele CA10377997.